The following is an entry in ClinVar:

ClinVar aggregate classification (germline): Uncertain significance (1 of 4 stars; one submission).

Allele frequency attached by ClinVar (database versions not stated): gnomAD exomes below 0.00001 and 0.00001; ExAC 0.00002.

Submission:

Labcorp Genetics (formerly Invitae), Labcorp
Classification: Uncertain significance. Last evaluated: 2021-11-17. Review status: criteria provided, single submitter. Criteria: Invitae Variant Classification Sherloc (09022015). Collection method: clinical testing. Allele origin: germline.
Comment: In summary, the available evidence is currently insufficient to determine the role of this variant in disease. Therefore, it has been classified as a Variant of Uncertain Significance. This variant has not been reported in the literature in individuals affected with FSCN2-related conditions. This variant is present in population databases (rs782034022, gnomAD 0.008%). This sequence change creates a premature translational stop signal (p.Ser196Argfs*92) in the FSCN2 gene. It is expected to result in an absent or disrupted protein product. However, the current clinical and genetic evidence is not sufficient to establish whether loss-of-function variants in FSCN2 cause disease.

NM_012418.4(FSCN2):c.588del (p.Ser196fs)

Gene: FSCN2 (fascin actin-bundling protein 2, retinal; plus strand). Cytogenetic location: 17q25.3.
Variant type: Deletion.
Coding change: c.588del on transcript NM_012418.4 (MANE Select); coding-DNA position 588, one base deleted (C; older notation c.588delC).
Protein change: p.Ser196fs; shifts the reading frame from serine 196.
Molecular consequence: frameshift variant.
Genome position (GRCh38, 1-based): chr17:81,529,119, C deleted. VCF-style (leftmost placement, unchanged base first): chr17-81529118-GC-G. GRCh37 (hg19) VCF-style: chr17-79496144-GC-G.
Other names: c.588del, p.Ser196fs (NM_001077182.3); short protein forms S196fs.
Identifiers: ClinVar variation 1462519 (VCV001462519.6), dbSNP rs782034022, ClinGen allele CA8836726.